The following is an entry in ClinVar:

NM_000123.4(ERCC5):c.3176G>A (p.Gly1059Asp)

Genes: BIVM-ERCC5 (BIVM-ERCC5 readthrough; plus strand), ERCC5 (ERCC excision repair 5, endonuclease; plus strand). Cytogenetic location: 13q33.1.
Variant type: single nucleotide variant.
Coding change: c.3176G>A on transcript NM_000123.4 (MANE Select); coding-DNA position 3176, G replaced by A.
Protein change: p.Gly1059Asp; replaces glycine 1059 with aspartic acid.
Molecular consequence: missense variant.
Genome position (GRCh38, 1-based): chr13:102,875,518, G>A. VCF-style: chr13-102875518-G-A. GRCh37 (hg19) VCF-style: chr13-103527868-G-A.
Other names: c.4538G>A, p.Gly1513Asp (NM_001204425.2); short protein forms G1059D, G1513D.
Identifiers: ClinVar variation 4851823 (VCV004851823.1).

ClinVar aggregate classification (germline): Uncertain significance (1 of 4 stars; one submission).

gnomAD v4.1: 1 of 1,614,046 alleles (0.000062%); highest among the groups gnomAD compares: Admixed American, 0.0017%; no homozygotes.

Submission:

Dasa
Classification: Uncertain significance. Last evaluated: 2025-03-18. Review status: criteria provided, single submitter. Criteria: DASA Assertion Criteria. Collection method: clinical testing. Allele origin: germline.
Comment: NM_000123.4(ERCC5):c.3176G>A (p.Gly1059Asp) is a missense variant that results in the substitution of glycine with aspartic acid. Multiple computational predictions support a deleterious effect on the gene or gene product. The variant is present at low frequency in population datasets. Based on the available data, this variant is classified as variant of uncertain significance.